The following is an entry in ClinVar:

ClinVar aggregate classification (germline): Pathogenic (1 of 4 stars; one submission).

Conditions:
DST-related disorder. Also called: DST-related condition; DST-related disorders.

Submission:

Women's Health and Genetics/Laboratory Corporation of America, LabCorp
Classification: Pathogenic for DST-Related Disorders. Last evaluated: 2024-01-05. Review status: criteria provided, single submitter. Criteria: LabCorp Variant Classification Summary - May 2015. Collection method: clinical testing. Allele origin: germline.
Comment: Variant summary: DST c.*15372delG is located in the untranscribed region downstream of the DST gene region of transcript NM_001723.5. However, the DST gene has multiple clinically relevant transcripts. NM_001723.5 is the major skin-specific isoform (otherwise known as dystonin-e), while NM_001144769 is the major brain-specific isoform (otherwise known as dystonin-a). The variant of interest results in a premature termination codon in the major brain-specific isoform (c.5261del p.Arg1754ProfsTer2), predicted to cause absence of the protein due to nonsense mediated decay, which is a commonly known mechanism for disease. The variant was absent in 280308 control chromosomes. To our knowledge, no occurrence of c.*15372delG in individuals affected with DST-Related Disorders and no experimental evidence demonstrating its impact on protein function have been reported. No submitters have cited clinical-significance assessments for this variant to ClinVar. Based on the evidence outlined above, the variant was classified as pathogenic.

NM_001374736.1(DST):c.11618del (p.Arg3873fs)

Gene: DST (dystonin; minus strand). Cytogenetic location: 6p12.1.
Variant type: Deletion.
Coding change: c.11618del on transcript NM_001374736.1 (MANE Select); coding-DNA position 11618, one base deleted (G; older notation c.11618delG).
Protein change: p.Arg3873fs; shifts the reading frame from arginine 3873.
Molecular consequence: frameshift variant.
Genome position (GRCh38, 1-based): chr6:56,600,145, C deleted on the plus strand (G on the coding strand, the reverse complement: DST is on the minus strand). VCF-style (leftmost placement, unchanged base first): chr6-56600144-GC-G. GRCh37 (hg19) VCF-style: chr6-56464942-GC-G.
Other names: c.5261del, p.Arg1754fs (NM_001144769.5); c.4847del, p.Arg1616fs (NM_001144770.2); c.11618del, p.Arg3873fs (NM_001374722.1); c.10985del, p.Arg3662fs (NM_001374729.1); c.4727del, p.Arg1576fs (NM_001374730.1, NM_001386100.1, NM_183380.4); c.11645del, p.Arg3882fs (NM_001374734.1); c.3749del, p.Arg1250fs (NM_015548.5); c.5261delG (NM_001144769.5); short protein forms R1250fs, R1576fs, R1616fs, R1754fs, R3662fs, R3873fs, R3882fs.
Identifiers: ClinVar variation 3068846 (VCV003068846.1), dbSNP rs2536281668, ClinGen allele CA2825001468.